The following is an entry in ClinVar:

ClinVar aggregate classification (germline): Pathogenic (1 of 4 stars; one submission).

Conditions:
Leber congenital amaurosis 2 (LCA2). Also called: AMAUROSIS CONGENITA OF LEBER II; Autosomal Recessive RPE65-Related Retinal Degeneration. Identifiers: Orphanet 65, MedGen C1859844, MONDO:0008765, OMIM 204100. Disease mechanism: loss of function.
Retinitis pigmentosa 20 (RP20). Identifiers: Orphanet 791, MedGen C3151086, MONDO:0013425, OMIM 613794.

Submission:

Labcorp Genetics (formerly Invitae), Labcorp
Classification: Pathogenic for Leber congenital amaurosis 2; Retinitis pigmentosa 20. Last evaluated: 2022-09-07. Review status: criteria provided, single submitter. Criteria: Invitae Variant Classification Sherloc (09022015). Collection method: clinical testing. Allele origin: germline.
Comment: A gross deletion of the genomic region encompassing the full coding sequence of the RPE65 gene has been identified. Loss-of-function variants in RPE65 are known to be pathogenic (PMID: 9326941, 9501220, 9843205, 18632300). The boundaries of this event are unknown as they extend beyond the assayed region for this gene and therefore may encompass additional genes. This variant has not been reported in the literature in individuals affected with RPE65-related conditions. For these reasons, this variant has been classified as Pathogenic.

Literature cited by the submitters: PubMed 9326941; PubMed 9501220; PubMed 9843205; PubMed 18632300.

NC_000001.10:g.(?_68895449)_(68915598_?)del

Gene: RPE65 (retinoid isomerohydrolase RPE65; minus strand). Cytogenetic location: 1p31.3-31.2.
Variant type: Deletion.
Identifiers: ClinVar variation 1459025 (VCV001459025.4).